The following is an entry in ClinVar:

NM_004415.4(DSP):c.7582T>G (p.Tyr2528Asp)

Gene: DSP (desmoplakin; plus strand). Cytogenetic location: 6p24.3.
Variant type: single nucleotide variant.
Coding change: c.7582T>G on transcript NM_004415.4 (MANE Select); coding-DNA position 7582, T replaced by G.
Protein change: p.Tyr2528Asp; replaces tyrosine 2528 with aspartic acid.
Molecular consequence: missense variant.
Genome position (GRCh38, 1-based): chr6:7,584,844, T>G. VCF-style: chr6-7584844-T-G. GRCh37 (hg19) VCF-style: chr6-7585077-T-G.
Other names: c.5785T>G, p.Tyr1929Asp (NM_001008844.3); c.6253T>G, p.Tyr2085Asp (NM_001319034.2); short protein forms Y1929D, Y2528D, Y2085D.
Identifiers: ClinVar variation 1402267 (VCV001402267.8), dbSNP rs2113702680, ClinGen allele CA362693329.

ClinVar aggregate classification (germline): Uncertain significance (1 of 4 stars; one submission).

Conditions:
Arrhythmogenic cardiomyopathy with wooly hair and keratoderma. Also called: Dilated cardiomyopathy with woolly hair and keratoderma; PALMOPLANTAR KERATODERMA WITH LEFT VENTRICULAR CARDIOMYOPATHY AND WOOLLY HAIR; Carvajal syndrome; Arrhythmogenic cardiomyopathy with woolly hair and keratoderma. Identifiers: Orphanet 65282, MedGen C1854063, MONDO:0011581, OMIM 605676.
Arrhythmogenic right ventricular dysplasia 8 (ARVD8). Also called: Arrhythmogenic Right Ventricular Dysplasia/Cardiomyopathy 8; ARRHYTHMOGENIC RIGHT VENTRICULAR DYSPLASIA, FAMILIAL, 8; ARRHYTHMOGENIC RIGHT VENTRICULAR CARDIOMYOPATHY 8. Identifiers: MedGen C1843896, MONDO:0011831, OMIM 607450.

Submission:

Labcorp Genetics (formerly Invitae), Labcorp
Classification: Uncertain significance for Arrhythmogenic cardiomyopathy with wooly hair and keratoderma; Arrhythmogenic right ventricular dysplasia 8. Last evaluated: 2022-02-07. Review status: criteria provided, single submitter. Criteria: Invitae Variant Classification Sherloc (09022015). Collection method: clinical testing. Allele origin: germline.
Comment: This sequence change replaces tyrosine, which is neutral and polar, with aspartic acid, which is acidic and polar, at codon 2528 of the DSP protein (p.Tyr2528Asp). This variant is not present in population databases (gnomAD no frequency). In summary, the available evidence is currently insufficient to determine the role of this variant in disease. Therefore, it has been classified as a Variant of Uncertain Significance. Algorithms developed to predict the effect of missense changes on protein structure and function (SIFT, PolyPhen-2, Align-GVGD) all suggest that this variant is likely to be disruptive. This variant has not been reported in the literature in individuals affected with DSP-related conditions.